The following is an entry in ClinVar:

ClinVar aggregate classification (germline): Uncertain significance (1 of 4 stars; one submission).

Submission:

Women's Health and Genetics/Laboratory Corporation of America, LabCorp
Classification: Uncertain significance. Last evaluated: 2026-01-09. Review status: criteria provided, single submitter. Criteria: LabCorp Variant Classification Summary - May 2015. Collection method: clinical testing. Allele origin: germline.
Comment: Variant summary: SYNE1 c.4792G>T (p.Val1598Phe) results in a non-conservative amino acid change in the encoded protein sequence. Algorithms developed to predict the effect of missense changes on protein structure and function are either unavailable or do not agree on the potential impact of this missense change. The variant was absent in 234708 control chromosomes. The available data on variant occurrences in the general population are insufficient to allow any conclusion about variant significance. To our knowledge, no occurrence of c.4792G>T in individuals affected with SYNE1-related conditions and no experimental evidence demonstrating its impact on protein function have been reported. No submitters have cited clinical-significance assessments for this variant to ClinVar. Based on the evidence outlined above, the variant was classified as uncertain significance.

NM_182961.4(SYNE1):c.4771G>T (p.Val1591Phe)

Gene: SYNE1 (spectrin repeat containing nuclear envelope protein 1; minus strand). Cytogenetic location: 6q25.2.
Variant type: single nucleotide variant.
Coding change: c.4771G>T on transcript NM_182961.4 (MANE Select); coding-DNA position 4771, G replaced by T.
Protein change: p.Val1591Phe; replaces valine 1591 with phenylalanine.
Molecular consequence: missense variant.
Genome position (GRCh38, 1-based): chr6:152,430,129, C>A on the plus strand (G>T on the coding strand, the complement: SYNE1 is on the minus strand). VCF-style: chr6-152430129-C-A. GRCh37 (hg19) VCF-style: chr6-152751264-C-A.
Other names: c.4792G>T, p.Val1598Phe (NM_033071.5); short protein forms V1591F, V1598F.
Identifiers: ClinVar variation 4689511 (VCV004689511.1).